The following is an entry in ClinVar:

NM_001330078.2(NRXN1):c.789A>G (p.Glu263=)

Gene: NRXN1 (neurexin 1; minus strand). Cytogenetic location: 2p16.3.
Variant type: single nucleotide variant.
Coding change: c.789A>G on transcript NM_001330078.2 (MANE Select); coding-DNA position 789, A replaced by G.
Protein change: p.Glu263=; no amino-acid change (glutamic acid 263 retained).
Molecular consequence: synonymous variant. On other transcripts: intron variant (6).
Genome position (GRCh38, 1-based): chr2:50,925,939, T>C on the plus strand (A>G on the coding strand, the complement: NRXN1 is on the minus strand). VCF-style: chr2-50925939-T-C. GRCh37 (hg19) VCF-style: chr2-51153077-T-C.
Other names: c.789A>G, p.Glu263= (NM_001330081.2, NM_001330082.2, NM_001330085.2 and 6 more transcripts); c.786A>G, p.Glu262= (NM_001330093.2, NM_001330079.2); c.772+101563A>G (NM_001330096.2, NM_001330087.2, NM_001330083.2 and 1 more transcripts); c.773-3252A>G (NM_001330088.2, NM_001330089.2); c.888A>G, p.Glu296= (NM_001135659.3).
Identifiers: ClinVar variation 2892774 (VCV002892774.3), dbSNP rs1407081392, ClinGen allele CA426106055.
Genomic context (GRCh38, chr2:50,925,939, plus strand): 5'-TTAGTACTAAGAAATAAAGGACAAATGAGAGTTGGAAAAATAAGGTAGAAAGCACCCACC[T>C]TCCACATTGTTGTCTTCTGAAAGCACATGACAAGGAGGGAGAGAAAAGGAAAAACATTCA-3'
Protein context (NP_001317007.1, residues 253-273): KDCSQEDNNV[Glu263=]GLAHLMMGDQ

ClinVar aggregate classification (germline): Uncertain significance (1 of 4 stars; one submission).

Conditions:
Pitt-Hopkins-like syndrome 2 (PTHSL2). Identifiers: Orphanet 221150, Orphanet 600663, MedGen C3280479, MONDO:0013690, OMIM 614325.

Allele frequency attached by ClinVar (database versions not stated): gnomAD exomes 0.00001; TOPMed 0.00001.
gnomAD v4.1: 5 of 1,573,674 alleles (0.00032%); highest among the groups gnomAD compares: Non-Finnish European, 0.00043%; no homozygotes.

Submission:

Labcorp Genetics (formerly Invitae), Labcorp
Classification: Uncertain significance for Pitt-Hopkins-like syndrome 2. Last evaluated: 2023-10-10. Review status: criteria provided, single submitter. Criteria: Invitae Variant Classification Sherloc (09022015). Collection method: clinical testing. Allele origin: germline.
Comment: This sequence change affects codon 296 of the NRXN1 mRNA. It is a 'silent' change, meaning that it does not change the encoded amino acid sequence of the NRXN1 protein. It affects a nucleotide within the consensus splice site. The frequency data for this variant in the population databases is considered unreliable, as metrics indicate poor data quality at this position in the gnomAD database. This variant has not been reported in the literature in individuals affected with NRXN1-related conditions. Algorithms developed to predict the effect of sequence changes on RNA splicing suggest that this variant may disrupt the consensus splice site. In summary, the available evidence is currently insufficient to determine the role of this variant in disease. Therefore, it has been classified as a Variant of Uncertain Significance.